The following is an entry in ClinVar:

ClinVar aggregate classification (germline): Uncertain significance. Review status: criteria provided, multiple submitters, no conflicts (2 of 4 stars). 2 submissions from 2 submitters: Uncertain significance (2). Last evaluated 2023-08-11.

Conditions:
Hereditary cancer-predisposing syndrome. Also called: Neoplastic Syndromes, Hereditary; Tumor predisposition; Hereditary neoplastic syndrome; Hereditary Cancer Syndrome. Identifiers: Orphanet 140162, MedGen C0027672, MeSH D009386, MONDO:0015356.
Breast-ovarian cancer, familial, susceptibility to, 1 (BROVCA1). Also called: OVARIAN CANCER, SUSCEPTIBILITY TO; BRCA1 Hereditary Breast and Ovarian Cancer. Identifiers: Orphanet 145, MedGen C2676676, MONDO:0011450, OMIM 604370. Disease mechanism: loss of function.

Submissions (2):

Baylor Genetics
Classification: Uncertain significance for Breast-ovarian cancer, familial, susceptibility to, 1. Last evaluated: 2023-08-11. Review status: criteria provided, single submitter. Criteria: ACMG Guidelines, 2015. Collection method: clinical testing. Allele origin: unknown.

Ambry Genetics
Classification: Uncertain significance for Hereditary cancer-predisposing syndrome. Last evaluated: 2020-05-05. Review status: criteria provided, single submitter. Criteria: Ambry Variant Classification Scheme 2023. Collection method: clinical testing. Allele origin: germline.
Comment: The p.C1372F variant (also known as c.4115G>T), located in coding exon 10 of the BRCA1 gene, results from a G to T substitution at nucleotide position 4115. The cysteine at codon 1372 is replaced by phenylalanine, an amino acid with highly dissimilar properties. This amino acid position is poorly conserved in available vertebrate species. In addition, the in silico prediction for this alteration is inconclusive. Since supporting evidence is limited at this time, the clinical significance of this alteration remains unclear.

NM_007294.4(BRCA1):c.4115G>T (p.Cys1372Phe)

Gene: BRCA1 (BRCA1 DNA repair associated; minus strand). Cytogenetic location: 17q21.31.
Variant type: single nucleotide variant.
Coding change: c.4115G>T on transcript NM_007294.4 (MANE Select); coding-DNA position 4115, G replaced by T.
Protein change: p.Cys1372Phe; replaces cysteine 1372 with phenylalanine.
Molecular consequence: missense variant. On other transcripts: non-coding transcript variant (1).
Genome position (GRCh38, 1-based): chr17:43,091,014, C>A on the plus strand (G>T on the coding strand, the complement: BRCA1 is on the minus strand). VCF-style: chr17-43091014-C-A. GRCh37 (hg19) VCF-style: chr17-41243031-C-A.
Other names: c.4115G>T, p.Cys1372Phe (NM_001407596.1, NM_001407597.1, NM_001407598.1 and 30 more transcripts); c.4112G>T, p.Cys1371Phe (NM_001407610.1, NM_001407611.1, NM_001407612.1 and 22 more transcripts); c.4106G>T, p.Cys1369Phe (NM_001407646.1, NM_001407647.1); c.3992G>T, p.Cys1331Phe (NM_001407648.1, NM_001407664.1, NM_001407665.1 and 19 more transcripts); c.3989G>T, p.Cys1330Phe (NM_001407649.1, NM_001407670.1, NM_001407671.1 and 11 more transcripts); c.4037G>T, p.Cys1346Phe (NM_001407653.1, NM_001407654.1, NM_001407655.1 and 4 more transcripts); c.3974G>T, p.Cys1325Phe (NM_001407728.1, NM_001407729.1, NM_001407730.1 and 29 more transcripts); c.3971G>T, p.Cys1324Phe (NM_001407747.1, NM_001407748.1, NM_001407749.1 and 20 more transcripts); and 41 more; short protein forms C1204F, C1302F, C1304F, C1305F, C1324F, C1325F, C1371F, C1372F.
Identifiers: ClinVar variation 1737955 (VCV001737955.3), dbSNP rs55848034, ClinGen allele CA10593496.